The following is an entry in ClinVar:

ClinVar aggregate classification (germline): Uncertain significance (1 of 4 stars; one submission).

Allele frequency attached by ClinVar (database versions not stated): gnomAD exomes 0.00001.
gnomAD v4.1: 11 of 1,613,220 alleles (0.00068%); highest among the groups gnomAD compares: Non-Finnish European, 0.00085%; no homozygotes.

Submission:

Labcorp Genetics (formerly Invitae), Labcorp
Classification: Uncertain significance. Last evaluated: 2025-02-27. Review status: criteria provided, single submitter. Criteria: Invitae Variant Classification Sherloc (09022015). Collection method: clinical testing. Allele origin: germline.
Comment: This sequence change replaces serine, which is neutral and polar, with phenylalanine, which is neutral and non-polar, at codon 37 of the RELB protein (p.Ser37Phe). The frequency data for this variant in the population databases is considered unreliable, as metrics indicate poor data quality at this position in the gnomAD database. This variant has not been reported in the literature in individuals affected with RELB-related conditions. ClinVar contains an entry for this variant (Variation ID: 3003573). An algorithm developed to predict the effect of missense changes on protein structure and function (PolyPhen-2) suggests that this variant is likely to be tolerated. In summary, the available evidence is currently insufficient to determine the role of this variant in disease. Therefore, it has been classified as a Variant of Uncertain Significance.

NM_006509.4(RELB):c.110C>T (p.Ser37Phe)

Gene: RELB (RELB proto-oncogene, NF-kB subunit; plus strand). Cytogenetic location: 19q13.32.
Variant type: single nucleotide variant.
Coding change: c.110C>T on transcript NM_006509.4 (MANE Select); coding-DNA position 110, C replaced by T.
Protein change: p.Ser37Phe; replaces serine 37 with phenylalanine.
Molecular consequence: missense variant.
Genome position (GRCh38, 1-based): chr19:45,002,952, C>T. VCF-style: chr19-45002952-C-T. GRCh37 (hg19) VCF-style: chr19-45506210-C-T.
Other names: c.110C>T, p.Ser37Phe (NM_001411087.1); short protein forms S37F.
Identifiers: ClinVar variation 3003573 (VCV003003573.3), dbSNP rs1377298940, ClinGen allele CA406320317.